The following is an entry in ClinVar:

ClinVar aggregate classification (germline): Uncertain significance. Review status: criteria provided, multiple submitters, no conflicts (2 of 4 stars). 2 submissions from 2 submitters: Uncertain significance (2). Last evaluated 2024-01-11.

Conditions:
Hereditary cancer-predisposing syndrome. Also called: Hereditary neoplastic syndrome; Neoplastic Syndromes, Hereditary; Tumor predisposition; Hereditary Cancer Syndrome. Identifiers: Orphanet 140162, MedGen C0027672, MeSH D009386, MONDO:0015356.
Hereditary pheochromocytoma and paraganglioma. Also called: Hereditary pheochromocytoma-paraganglioma; Hereditary Paraganglioma-Pheochromocytoma Syndromes; Hereditary paragangliomas and pheochromocytomas. Identifiers: Orphanet 29072, MedGen C4274332, MONDO:0017366.

Allele frequency attached by ClinVar (database versions not stated): gnomAD exomes below 0.00001.
gnomAD v4.1: 1 of 1,612,790 alleles (0.000062%); highest among the groups gnomAD compares: Non-Finnish European, 0.000085%; no homozygotes.

Submissions (2):

All of Us Research Program, National Institutes of Health
Classification: Uncertain significance for Hereditary pheochromocytoma and paraganglioma. Last evaluated: 2024-01-11. Review status: criteria provided, single submitter. Criteria: ACMG Guidelines, 2015. Collection method: clinical testing. Allele origin: germline. Inheritance: Autosomal dominant inheritance. Observed: 1 variant allele, 1 heterozygote.
Comment: This study involves interpretation of variants in research participants for the purpose of population health screening. Participant phenotype was not available at the time of variant classification. Additional details can be found in publication PMID: 35346344, PMCID: PMC8962531

Ambry Genetics
Classification: Uncertain significance for Hereditary cancer-predisposing syndrome. Last evaluated: 2023-10-06. Review status: criteria provided, single submitter. Criteria: Ambry Variant Classification Scheme 2023. Collection method: clinical testing. Allele origin: germline.
Comment: The p.K274M variant (also known as c.821A>T), located in coding exon 8 of the SDHB gene, results from an A to T substitution at nucleotide position 821. The lysine at codon 274 is replaced by methionine, an amino acid with similar properties. This amino acid position is conserved. In addition, the in silico prediction for this alteration is inconclusive. Since supporting evidence is limited at this time, the clinical significance of this alteration remains unclear.

NM_003000.3(SDHB):c.821A>T (p.Lys274Met)

Gene: SDHB (succinate dehydrogenase complex iron sulfur subunit B; minus strand). Cytogenetic location: 1p36.13.
Variant type: single nucleotide variant.
Coding change: c.821A>T on transcript NM_003000.3 (MANE Select); coding-DNA position 821, A replaced by T.
Protein change: p.Lys274Met; replaces lysine 274 with methionine.
Molecular consequence: missense variant.
Genome position (GRCh38, 1-based): chr1:17,018,903, T>A on the plus strand (A>T on the coding strand, the complement: SDHB is on the minus strand). VCF-style: chr1-17018903-T-A. GRCh37 (hg19) VCF-style: chr1-17345398-T-A.
Other names: c.767A>T, p.Lys256Met (NM_001407361.1); short protein forms K256M, K274M.
Identifiers: ClinVar variation 3075205 (VCV003075205.2), dbSNP rs1211308568, ClinGen allele CA338268778.